The following is an entry in ClinVar:

NM_000719.7(CACNA1C):c.5931C>T (p.Val1977=)

Genes: CACNA1C (calcium voltage-gated channel subunit alpha1 C; plus strand), CACNA1C-AS1 (CACNA1C antisense RNA 1; minus strand). Cytogenetic location: 12p13.33.
Variant type: single nucleotide variant.
Coding change: c.5931C>T on transcript NM_000719.7 (MANE Select); coding-DNA position 5931, C replaced by T.
Protein change: p.Val1977=; no amino-acid change (valine 1977 retained).
Molecular consequence: synonymous variant.
Genome position (GRCh38, 1-based): chr12:2,688,593, C>T. VCF-style: chr12-2688593-C-T. GRCh37 (hg19) VCF-style: chr12-2797759-C-T.
Other names: c.6075C>T, p.Val2025= (NM_001129827.2); c.6054C>T, p.Val2018= (NM_001129829.2); c.6036C>T, p.Val2012= (NM_001129830.3, NM_001167624.3); c.6015C>T, p.Val2005= (NM_001129831.2); c.5991C>T, p.Val1997= (NM_001129832.2); c.5988C>T, p.Val1996= (NM_001129833.2, NM_001129834.2, NM_001129835.2); c.5982C>T, p.Val1994= (NM_001129836.2); c.5955C>T, p.Val1985= (NM_001129837.2, NM_001129838.2); and 6 more.
Identifiers: ClinVar variation 496073 (VCV000496073.21), dbSNP rs757236915, ClinGen allele CA6390034.

ClinVar aggregate classification (germline): Benign/Likely benign. Review status: criteria provided, multiple submitters, no conflicts (2 of 4 stars). 6 submissions from 6 submitters: Benign (2); Likely benign (3). 1 of the submissions does not count toward it. Last evaluated 2025-12-28.

Conditions:
Long QT syndrome (LQTS). Identifiers: MedGen C0023976, MeSH D008133, MONDO:0002442. Disease mechanism: loss of function. Inheritance: Various modes of inheritance.
CACNA1C-related disorder. Also called: CACNA1C-related condition; CACNA1C-related disorders. Identifiers: MedGen CN381092, MONDO:0700321.
Cardiovascular phenotype. Identifiers: MedGen CN230736.

Allele frequency attached by ClinVar (database versions not stated): gnomAD exomes 0.00004 and 0.00007; TOPMed 0.00005; ExAC 0.00005; gnomAD 0.00005.
gnomAD v4.1: 103 of 1,613,842 alleles (0.0064%); highest among the groups gnomAD compares: Non-Finnish European, 0.0081%; no homozygotes.

Submissions (6):

Labcorp Genetics (formerly Invitae), Labcorp
Classification: Likely benign for Long QT syndrome. Last evaluated: 2025-12-28. Review status: criteria provided, single submitter. Criteria: Invitae Variant Classification Sherloc (09022015). Collection method: clinical testing. Allele origin: germline.

Ambry Genetics
Classification: Likely benign for Cardiovascular phenotype. Last evaluated: 2022-05-24. Review status: criteria provided, single submitter. Criteria: Ambry Variant Classification Scheme 2023. Collection method: clinical testing. Allele origin: germline.

ARUP Laboratories, Molecular Genetics and Genomics, ARUP Laboratories
Classification: Likely benign. Last evaluated: 2022-03-24. Review status: criteria provided, single submitter. Criteria: ARUP Molecular Germline Variant Investigation Process 2021. Collection method: clinical testing. Allele origin: germline.

Women's Health and Genetics/Laboratory Corporation of America, LabCorp
Classification: Benign. Last evaluated: 2016-04-26. Review status: criteria provided, single submitter. Criteria: LabCorp Variant Classification Summary - May 2015. Collection method: clinical testing. Allele origin: germline.
Comment: Variant summary: The c.5931C>T variant affects a non-conserved nucleotide, resulting in a synonymous change. 5/5 programs in Alamut predict that this variant does not affect normal splicing. This variant is found in 6/120128 control chromosomes at a frequency of 0.0000499, which is about 5 times of the maximal expected frequency of a pathogenic allele (0.00001), suggesting this variant is a benign polymorphism. The variant of interest has not, to our knowledge, been reported in affected individuals via publications and/or reputable databases/clinical laboratories; nor evaluated for functional impact by in vivo/vitro studies. Taken together, this variant was classified as Benign.

GeneDx
Classification: Benign. Last evaluated: 2015-03-03. Review status: criteria provided, single submitter. Criteria: GeneDx Variant Classification Process June 2021. Collection method: clinical testing. Allele origin: germline. Affected: yes.

PreventionGenetics, part of Exact Sciences
Classification: Likely benign for CACNA1C-related condition. Last evaluated: 2024-01-30. Review status: no assertion criteria provided. Collection method: clinical testing. Allele origin: germline. Not counted in ClinVar's aggregate classification.
Comment: This variant is classified as likely benign based on ACMG/AMP sequence variant interpretation guidelines (Richards et al. 2015 PMID: 25741868, with internal and published modifications).